The following is an entry in ClinVar:

NM_004369.4(COL6A3):c.3989G>T (p.Ser1330Ile)

Gene: COL6A3 (collagen type VI alpha 3 chain; minus strand). Cytogenetic location: 2q37.3.
Variant type: single nucleotide variant.
Coding change: c.3989G>T on transcript NM_004369.4 (MANE Select); coding-DNA position 3989, G replaced by T.
Protein change: p.Ser1330Ile; replaces serine 1330 with isoleucine.
Molecular consequence: missense variant.
Genome position (GRCh38, 1-based): chr2:237,372,028, C>A on the plus strand (G>T on the coding strand, the complement: COL6A3 is on the minus strand). VCF-style: chr2-237372028-C-A. GRCh37 (hg19) VCF-style: chr2-238280671-C-A.
Other names: c.2768G>T, p.Ser923Ile (NM_057164.5); c.3371G>T, p.Ser1124Ile (NM_057165.5, NM_057167.4); c.2168G>T, p.Ser723Ile (NM_057166.5); short protein forms S923I, S1330I, S1124I, S723I.
Identifiers: ClinVar variation 649610 (VCV000649610.9), dbSNP rs779967310, ClinGen allele CA351197607.

ClinVar aggregate classification (germline): Uncertain significance (1 of 4 stars; one submission).

Conditions:
Bethlem myopathy 1A. Also called: Bethlem Muscular Dystrophy; Bethlem myopathy 1; MYOPATHY, BENIGN CONGENITAL, WITH CONTRACTURES. Identifiers: Orphanet 610, MedGen CN029274, MONDO:0024530, OMIM 158810.

Submission:

Labcorp Genetics (formerly Invitae), Labcorp
Classification: Uncertain significance for Bethlem myopathy 1A. Last evaluated: 2018-12-02. Review status: criteria provided, single submitter. Criteria: Invitae Variant Classification Sherloc (09022015). Collection method: clinical testing. Allele origin: germline.
Comment: This variant is not present in population databases (ExAC no frequency). This sequence change replaces serine with isoleucine at codon 1330 of the COL6A3 protein (p.Ser1330Ile). The serine residue is highly conserved and there is a large physicochemical difference between serine and isoleucine. In summary, the available evidence is currently insufficient to determine the role of this variant in disease. Therefore, it has been classified as a Variant of Uncertain Significance. Algorithms developed to predict the effect of missense changes on protein structure and function (SIFT, PolyPhen-2, Align-GVGD) all suggest that this variant is likely to be disruptive, but these predictions have not been confirmed by published functional studies and their clinical significance is uncertain. This variant has not been reported in the literature in individuals with COL6A3-related conditions.